The following is an entry in ClinVar:

NM_005956.4(MTHFD1):c.2021A>C (p.Asp674Ala)

Gene: MTHFD1 (methylenetetrahydrofolate dehydrogenase, cyclohydrolase and formyltetrahydrofolate synthetase 1; plus strand). Cytogenetic location: 14q23.3.
Variant type: single nucleotide variant.
Coding change: c.2021A>C on transcript NM_005956.4 (MANE Select); coding-DNA position 2021, A replaced by C.
Protein change: p.Asp674Ala; replaces aspartic acid 674 with alanine.
Molecular consequence: missense variant.
Genome position (GRCh38, 1-based): chr14:64,442,287, A>C. VCF-style: chr14-64442287-A-C. GRCh37 (hg19) VCF-style: chr14-64909005-A-C.
Other names: c.2021A>C, p.Asp674Ala (NM_001364837.1); short protein forms D674A.
Identifiers: ClinVar variation 2098603 (VCV002098603.4), dbSNP rs2550504963, ClinGen allele CA389999195.

ClinVar aggregate classification (germline): Uncertain significance (1 of 4 stars; one submission).

Submission:

Labcorp Genetics (formerly Invitae), Labcorp
Classification: Uncertain significance. Last evaluated: 2022-04-01. Review status: criteria provided, single submitter. Criteria: Invitae Variant Classification Sherloc (09022015). Collection method: clinical testing. Allele origin: germline.
Comment: In summary, the available evidence is currently insufficient to determine the role of this variant in disease. Therefore, it has been classified as a Variant of Uncertain Significance. Algorithms developed to predict the effect of missense changes on protein structure and function are either unavailable or do not agree on the potential impact of this missense change (SIFT: "Tolerated"; PolyPhen-2: "Probably Damaging"; Align-GVGD: "Class C0"). This variant has not been reported in the literature in individuals affected with MTHFD1-related conditions. This variant is not present in population databases (gnomAD no frequency). This sequence change replaces aspartic acid, which is acidic and polar, with alanine, which is neutral and non-polar, at codon 674 of the MTHFD1 protein (p.Asp674Ala).